The following is an entry in ClinVar:

ClinVar aggregate classification (germline): Uncertain significance (1 of 4 stars; one submission).

Conditions:
Hereditary cancer-predisposing syndrome. Also called: Neoplastic Syndromes, Hereditary; Tumor predisposition; Hereditary neoplastic syndrome; Hereditary Cancer Syndrome. Identifiers: Orphanet 140162, MedGen C0027672, MeSH D009386, MONDO:0015356.

gnomAD v4.1: 1 of 1,614,170 alleles (0.000062%); highest among the groups gnomAD compares: Non-Finnish European, 0.000085%; no homozygotes.

Submission:

Ambry Genetics
Classification: Uncertain significance for Hereditary cancer-predisposing syndrome. Last evaluated: 2025-05-17. Review status: criteria provided, single submitter. Criteria: Ambry Variant Classification Scheme 2023. Collection method: clinical testing. Allele origin: germline.
Comment: The p.H476Q variant (also known as c.1428T>G), located in coding exon 3 of the MET gene, results from a T to G substitution at nucleotide position 1428. The histidine at codon 476 is replaced by glutamine, an amino acid with highly similar properties. This amino acid position is conserved. In addition, the in silico prediction for this alteration is inconclusive. Based on the available evidence, the clinical significance of this variant remains unclear.

NM_000245.4(MET):c.1428T>G (p.His476Gln)

Gene: MET (MET proto-oncogene, receptor tyrosine kinase; plus strand). Cytogenetic location: 7q31.2.
Variant type: single nucleotide variant.
Coding change: c.1428T>G on transcript NM_000245.4 (MANE Select); coding-DNA position 1428, T replaced by G.
Protein change: p.His476Gln; replaces histidine 476 with glutamine.
Molecular consequence: missense variant.
Genome position (GRCh38, 1-based): chr7:116,739,985, T>G. VCF-style: chr7-116739985-T-G. GRCh37 (hg19) VCF-style: chr7-116380039-T-G.
Other names: c.1428T>G, p.His476Gln (NM_001127500.3, NM_001324401.3); c.138T>G, p.His46Gln (NM_001324402.2); short protein forms H476Q, H46Q.
Identifiers: ClinVar variation 4053916 (VCV004053916.1).